The following is an entry in ClinVar:

ClinVar aggregate classification (germline): Uncertain significance (1 of 4 stars; one submission).

Conditions:
Retinitis pigmentosa 12 (RP12). Also called: RP WITH OR WITHOUT PRESERVED PARAARTERIOLE RETINAL PIGMENT EPITHELIUM; RETINITIS PIGMENTOSA WITH OR WITHOUT PARAARTERIOLAR PRESERVATION OF RETINAL PIGMENT EPITHELIUM; RP WITH OR WITHOUT PPRPE. Identifiers: Orphanet 791, MedGen C1838647, MONDO:0010818, OMIM 600105.
Leber congenital amaurosis 8 (LCA8). Identifiers: Orphanet 65, MedGen C3151202, MONDO:0013453, OMIM 613835.

Allele frequency attached by ClinVar (database versions not stated): gnomAD exomes below 0.00001.
gnomAD v4.1: 1 of 1,613,020 alleles (0.000062%); highest among the groups gnomAD compares: Non-Finnish European, 0.000085%; no homozygotes.

Submission:

Labcorp Genetics (formerly Invitae), Labcorp
Classification: Uncertain significance for Leber congenital amaurosis 8; Retinitis pigmentosa 12. Last evaluated: 2020-03-03. Review status: criteria provided, single submitter. Criteria: Invitae Variant Classification Sherloc (09022015). Collection method: clinical testing. Allele origin: germline.
Comment: This sequence change falls in intron 3 of the CRB1 gene. It does not directly change the encoded amino acid sequence of the CRB1 protein, but it affects a nucleotide within the consensus splice site of the intron. This variant is not present in population databases (ExAC no frequency). This variant has not been reported in the literature in individuals with CRB1-related conditions. Nucleotide substitutions within the consensus splice site are a relatively common cause of aberrant splicing (PMID: 17576681, 9536098). Algorithms developed to predict the effect of sequence changes on RNA splicing suggest that this variant is not likely to affect RNA splicing, but this prediction has not been confirmed by published transcriptional studies. In summary, the available evidence is currently insufficient to determine the role of this variant in disease. Therefore, it has been classified as a Variant of Uncertain Significance.

Literature cited by the submitters: PubMed 17576681; PubMed 9536098.

NM_201253.3(CRB1):c.848+4C>G

Gene: CRB1 (crumbs cell polarity complex component 1; plus strand). Cytogenetic location: 1q31.3.
Variant type: single nucleotide variant.
Coding change: c.848+4C>G on transcript NM_201253.3 (MANE Select); 4 bases into the intron after coding-DNA position 848, C replaced by G.
Molecular consequence: intron variant.
Genome position (GRCh38, 1-based): chr1:197,344,480, C>G. VCF-style: chr1-197344480-C-G. GRCh37 (hg19) VCF-style: chr1-197313610-C-G.
Other names: c.641+4C>G (NM_001257965.2); c.848+4C>G (NM_001257966.2); c.653-12351C>G (NM_001193640.2).
Identifiers: ClinVar variation 1022787 (VCV001022787.4), dbSNP rs1659656136, ClinGen allele CA1218029208.